The following is an entry in ClinVar:

NM_001085049.3(MRAS):c.601C>T (p.His201Tyr)

Gene: MRAS (muscle RAS oncogene homolog; plus strand). Cytogenetic location: 3q22.3.
Variant type: single nucleotide variant.
Coding change: c.601C>T on transcript NM_001085049.3 (MANE Select); coding-DNA position 601, C replaced by T.
Protein change: p.His201Tyr; replaces histidine 201 with tyrosine.
Molecular consequence: missense variant.
Genome position (GRCh38, 1-based): chr3:138,402,243, C>T. VCF-style: chr3-138402243-C-T. GRCh37 (hg19) VCF-style: chr3-138121085-C-T.
Other names: c.601C>T, p.His201Tyr (NM_001252090.2, NM_012219.4); c.373C>T, p.His125Tyr (NM_001252091.1, NM_001252092.2, NM_001252093.2); short protein forms H201Y, H125Y.
Identifiers: ClinVar variation 2451214 (VCV002451214.2), dbSNP rs2055375546, ClinGen allele CA354678049.

ClinVar aggregate classification (germline): Uncertain significance (1 of 4 stars; one submission).

Conditions:
Inborn genetic diseases. Identifiers: MedGen C0950123, MeSH D030342.

Allele frequency attached by ClinVar (database versions not stated): TOPMed below 0.00001; gnomAD 0.00001; gnomAD exomes 0.00001.
gnomAD v4.1: 5 of 1,614,120 alleles (0.00031%); highest among the groups gnomAD compares: Non-Finnish European, 0.00042%; no homozygotes.

Submission:

Ambry Genetics
Classification: Uncertain significance for Inborn genetic diseases. Last evaluated: 2022-11-27. Review status: criteria provided, single submitter. Criteria: Ambry Variant Classification Scheme 2023. Collection method: clinical testing. Allele origin: germline.
Comment: The p.H201Y variant (also known as c.601C>T), located in coding exon 5 of the MRAS gene, results from a C to T substitution at nucleotide position 601. The histidine at codon 201 is replaced by tyrosine, an amino acid with similar properties. This amino acid position is conserved. In addition, the in silico prediction for this alteration is inconclusive. Since supporting evidence is limited at this time, the clinical significance of this alteration remains unclear.